The following is an entry in ClinVar:

NM_001394062.1(MACF1):c.3775G>A (p.Glu1259Lys)

Gene: MACF1 (microtubule actin crosslinking factor 1; plus strand). Cytogenetic location: 1p34.3.
Variant type: single nucleotide variant.
Coding change: c.3775G>A on transcript NM_001394062.1 (MANE Select); coding-DNA position 3775, G replaced by A.
Protein change: p.Glu1259Lys; replaces glutamic acid 1259 with lysine.
Molecular consequence: missense variant.
Genome position (GRCh38, 1-based): chr1:39,317,400, G>A. VCF-style: chr1-39317400-G-A. GRCh37 (hg19) VCF-style: chr1-39783072-G-A.
Other names: c.3790G>A, p.Glu1264Lys (NM_012090.5); short protein forms E1259K, E1264K.
Identifiers: ClinVar variation 2781865 (VCV002781865.3), dbSNP rs540126273, ClinGen allele CA780056.

ClinVar aggregate classification (germline): Uncertain significance (1 of 4 stars; one submission).

Allele frequency attached by ClinVar (database versions not stated): ExAC 0.00001; gnomAD 0.00001; gnomAD exomes 0.00001.
gnomAD v4.1: 11 of 1,612,176 alleles (0.00068%); highest among the groups gnomAD compares: Admixed American, 0.0033%; no homozygotes.

Submission:

Labcorp Genetics (formerly Invitae), Labcorp
Classification: Uncertain significance. Last evaluated: 2023-07-26. Review status: criteria provided, single submitter. Criteria: Invitae Variant Classification Sherloc (09022015). Collection method: clinical testing. Allele origin: germline.
Comment: This variant is present in population databases (rs540126273, gnomAD 0.006%). In summary, the available evidence is currently insufficient to determine the role of this variant in disease. Therefore, it has been classified as a Variant of Uncertain Significance. An algorithm developed to predict the effect of missense changes on protein structure and function (PolyPhen-2) suggests that this variant is likely to be tolerated. This variant has not been reported in the literature in individuals affected with MACF1-related conditions. This sequence change replaces glutamic acid, which is acidic and polar, with lysine, which is basic and polar, at codon 1264 of the MACF1 protein (p.Glu1264Lys).